The following is an entry in ClinVar:

NM_016034.5(MRPS2):c.368C>T (p.Thr123Met)

Genes: MRPS2 (mitochondrial ribosomal protein S2; plus strand), LOC101928525 (uncharacterized LOC101928525; minus strand). Cytogenetic location: 9q34.3.
Variant type: single nucleotide variant.
Coding change: c.368C>T on transcript NM_016034.5 (MANE Select); coding-DNA position 368, C replaced by T.
Protein change: p.Thr123Met; replaces threonine 123 with methionine.
Molecular consequence: missense variant. On other transcripts: non-coding transcript variant (5).
Genome position (GRCh38, 1-based): chr9:135,503,610, C>T. VCF-style: chr9-135503610-C-T. GRCh37 (hg19) VCF-style: chr9-138395456-C-T.
Other names: c.368C>T, p.Thr123Met (NM_001371401.1); short protein forms T123M.
Identifiers: ClinVar variation 3617434 (VCV003617434.2).

ClinVar aggregate classification (germline): Uncertain significance (1 of 4 stars; one submission).

Submission:

Labcorp Genetics (formerly Invitae), Labcorp
Classification: Uncertain significance. Last evaluated: 2024-11-13. Review status: criteria provided, single submitter. Criteria: Invitae Variant Classification Sherloc (09022015). Collection method: clinical testing. Allele origin: germline.
Comment: This sequence change replaces threonine, which is neutral and polar, with methionine, which is neutral and non-polar, at codon 123 of the MRPS2 protein (p.Thr123Met). This variant is present in population databases (rs375206134, gnomAD 0.01%). This variant has not been reported in the literature in individuals affected with MRPS2-related conditions. Invitae Evidence Modeling of protein sequence and biophysical properties (such as structural, functional, and spatial information, amino acid conservation, physicochemical variation, residue mobility, and thermodynamic stability) indicates that this missense variant is not expected to disrupt MRPS2 protein function with a negative predictive value of 80%. In summary, the available evidence is currently insufficient to determine the role of this variant in disease. Therefore, it has been classified as a Variant of Uncertain Significance.